The following is an entry in ClinVar:

ClinVar aggregate classification (germline): Likely benign (1 of 4 stars; one submission).

Allele frequency attached by ClinVar (database versions not stated): TOPMed 0.00004; gnomAD 0.00013; 1000 Genomes Project 0.00040; 1000 Genomes Project 30x 0.00047.
gnomAD v4.1: 28 of 231,262 alleles (0.012%); highest among the groups gnomAD compares: South Asian, 0.22%; no homozygotes.

Submission:

CeGaT Center for Human Genetics Tuebingen
Classification: Likely benign. Last evaluated: 2023-07-01. Review status: criteria provided, single submitter. Criteria: CeGaT Center For Human Genetics Tuebingen Variant Classification Criteria Version 2. Collection method: clinical testing. Allele origin: germline. Affected: yes. Observed: 4 variant alleles.
Comment: NF2: BS1

NM_000268.4(NF2):c.*3303G>A

Gene: NF2 (NF2, moesin-ezrin-radixin like (MERLIN) tumor suppressor; plus strand). Cytogenetic location: 22q12.2.
Variant type: single nucleotide variant.
Coding change: c.*3303G>A on transcript NM_000268.4 (MANE Select); 3303 bases downstream of the stop codon, G replaced by A.
Molecular consequence: 3 prime UTR variant. On other transcripts: non-coding transcript variant (1).
Genome position (GRCh38, 1-based): chr22:29,698,105, G>A. VCF-style: chr22-29698105-G-A. GRCh37 (hg19) VCF-style: chr22-30094094-G-A.
Other names: c.*3303G>A (NM_001407053.1, NM_001407054.1, NM_001407055.1 and 3 more transcripts); c.*3363G>A (NM_001407056.1, NM_001407059.1, NM_001407065.1 and 5 more transcripts); c.*3378G>A (NM_001407058.1, NM_001407063.1, NM_181832.3); c.*3296G>A (NM_001407060.1, NM_001407064.1).
Identifiers: ClinVar variation 1879551 (VCV001879551.29), dbSNP rs531083925, ClinGen allele CA323130595.